The following is an entry in ClinVar:

ClinVar aggregate classification (germline): Uncertain significance (1 of 4 stars; one submission).

gnomAD v4.1: 1 of 1,613,748 alleles (0.000062%); highest among the groups gnomAD compares: Non-Finnish European, 0.000085%; no homozygotes.

Submission:

Labcorp Genetics (formerly Invitae), Labcorp
Classification: Uncertain significance. Last evaluated: 2024-07-30. Review status: criteria provided, single submitter. Criteria: Invitae Variant Classification Sherloc (09022015). Collection method: clinical testing. Allele origin: germline.
Comment: This sequence change replaces aspartic acid, which is acidic and polar, with valine, which is neutral and non-polar, at codon 1108 of the PRPF8 protein (p.Asp1108Val). This variant is present in population databases (no rsID available, gnomAD 0.0009%). This variant has not been reported in the literature in individuals affected with PRPF8-related conditions. Advanced modeling of protein sequence and biophysical properties (such as structural, functional, and spatial information, amino acid conservation, physicochemical variation, residue mobility, and thermodynamic stability) performed at Invitae indicates that this missense variant is not expected to disrupt PRPF8 protein function with a negative predictive value of 80%. In summary, the available evidence is currently insufficient to determine the role of this variant in disease. Therefore, it has been classified as a Variant of Uncertain Significance.

NM_006445.4(PRPF8):c.3323A>T (p.Asp1108Val)

Gene: PRPF8 (pre-mRNA processing factor 8; minus strand). Cytogenetic location: 17p13.3.
Variant type: single nucleotide variant.
Coding change: c.3323A>T on transcript NM_006445.4 (MANE Select); coding-DNA position 3323, A replaced by T.
Protein change: p.Asp1108Val; replaces aspartic acid 1108 with valine.
Molecular consequence: missense variant.
Genome position (GRCh38, 1-based): chr17:1,673,869, T>A on the plus strand (A>T on the coding strand, the complement: PRPF8 is on the minus strand). VCF-style: chr17-1673869-T-A. GRCh37 (hg19) VCF-style: chr17-1577163-T-A.
Other names: short protein forms D1108V.
Identifiers: ClinVar variation 3632271 (VCV003632271.2).